The following is an entry in ClinVar:

NM_002528.7(NTHL1):c.668del (p.Gly223fs)

Gene: NTHL1 (nth like DNA glycosylase 1; minus strand). Cytogenetic location: 16p13.3.
Variant type: Deletion.
Coding change: c.668del on transcript NM_002528.7 (MANE Select); coding-DNA position 668, one base deleted (G; older notation c.668delG).
Protein change: p.Gly223fs; shifts the reading frame from glycine 223.
Molecular consequence: frameshift variant.
Genome position (GRCh38, 1-based): chr16:2,043,584, C deleted on the plus strand (G on the coding strand, the reverse complement: NTHL1 is on the minus strand); the first of 4 consecutive C bases (chr16:2,043,584-2,043,587); deleting any one gives the same sequence. VCF-style (leftmost placement, unchanged base first): chr16-2043583-GC-G. GRCh37 (hg19) VCF-style: chr16-2093584-GC-G.
Other names: c.497del, p.Gly166fs (NM_001318193.2); c.338del, p.Gly113fs (NM_001318194.2); c.692delG (NM_002528.5); short protein forms G113fs, G166fs, G223fs.
Identifiers: ClinVar variation 2673809 (VCV002673809.2), dbSNP rs2548314985, ClinGen allele CA2631103643.

ClinVar aggregate classification (germline): Pathogenic. Review status: criteria provided, multiple submitters, no conflicts (2 of 4 stars). 2 submissions from 2 submitters: Pathogenic (2). Last evaluated 2024-04-19.

Conditions:
Hereditary cancer-predisposing syndrome. Also called: Neoplastic Syndromes, Hereditary; Tumor predisposition; Hereditary Cancer Syndrome; Hereditary neoplastic syndrome. Identifiers: Orphanet 140162, MedGen C0027672, MeSH D009386, MONDO:0015356.
Familial adenomatous polyposis 3. Also called: NTHL1-Related Adenomatous Polyposis and Colorectal Cancer; NTHL1 Tumor Syndrome; NTHL1-related attenuated familial adenomatous polyposis; NTHL1-associated polyposis. Identifiers: Orphanet 220460, Orphanet 454840, MedGen C4225157, MONDO:0014630, OMIM 616415.

Submissions (2):

Ambry Genetics
Classification: Pathogenic for Hereditary cancer-predisposing syndrome. Last evaluated: 2024-04-19. Review status: criteria provided, single submitter. Criteria: Ambry Variant Classification Scheme 2023. Collection method: clinical testing. Allele origin: germline.
Comment: The c.692delG pathogenic mutation, located in coding exon 4 of the NTHL1 gene, results from a deletion of one nucleotide at nucleotide position 692, causing a translational frameshift with a predicted alternate stop codon (p.G231Afs*19). This alteration is expected to result in loss of function by premature protein truncation or nonsense-mediated mRNA decay. As such, this alteration is interpreted as a disease-causing mutation.

Myriad Genetics, Inc.
Classification: Pathogenic for Familial adenomatous polyposis 3. Last evaluated: 2023-09-05. Review status: criteria provided, single submitter. Criteria: Myriad Autosomal Dominant, Autosomal Recessive and X-Linked Classification Criteria (2023). Collection method: clinical testing. Allele origin: unknown.
Comment: This variant is considered pathogenic. This variant creates a frameshift predicted to result in premature protein truncation.